The following is an entry in ClinVar:

ClinVar aggregate classification (germline): Likely benign (1 of 4 stars; one submission).

Allele frequency attached by ClinVar (database versions not stated): TOPMed 0.00065; ESP Exome Variant Server 0.00092; gnomAD 0.00118.
gnomAD v4.1: 1,852 of 1,613,890 alleles (0.11%); highest among the groups gnomAD compares: South Asian, 0.32%; 7 homozygotes.

Submission:

CeGaT Center for Human Genetics Tuebingen
Classification: Likely benign. Last evaluated: 2023-03-01. Review status: criteria provided, single submitter. Criteria: CeGaT Center For Human Genetics Tuebingen Variant Classification Criteria Version 2. Collection method: clinical testing. Allele origin: germline. Affected: yes. Observed: 1 variant allele.
Comment: SORCS1: BS2

NM_052918.5(SORCS1):c.3352G>A (p.Val1118Ile)

Gene: SORCS1 (sortilin related VPS10 domain containing receptor 1; minus strand). Cytogenetic location: 10q25.1.
Variant type: single nucleotide variant.
Coding change: c.3352G>A on transcript NM_052918.5 (MANE Select); coding-DNA position 3352, G replaced by A.
Protein change: p.Val1118Ile; replaces valine 1118 with isoleucine.
Molecular consequence: missense variant.
Genome position (GRCh38, 1-based): chr10:106,579,388, C>T on the plus strand (G>A on the coding strand, the complement: SORCS1 is on the minus strand). VCF-style: chr10-106579388-C-T. GRCh37 (hg19) VCF-style: chr10-108339146-C-T.
Other names: c.3352G>A, p.Val1118Ile (NM_001013031.3, NM_001206569.2, NM_001206570.2 and 3 more transcripts); short protein forms V1118I.
Identifiers: ClinVar variation 2640821 (VCV002640821.24), dbSNP rs139132974, ClinGen allele CA5684499.